The following is an entry in ClinVar:

NM_032520.5(GNPTG):c.445del (p.Ala149fs)

Gene: GNPTG (N-acetylglucosamine-1-phosphate transferase subunit gamma; plus strand). Cytogenetic location: 16p13.3.
Variant type: Deletion.
Coding change: c.445del on transcript NM_032520.5 (MANE Select); coding-DNA position 445, one base deleted (G; older notation c.445delG).
Protein change: p.Ala149fs; shifts the reading frame from alanine 149.
Molecular consequence: frameshift variant.
Genome position (GRCh38, 1-based): chr16:1,362,239, G deleted; the last of 2 consecutive G bases (chr16:1,362,238-1,362,239); deleting either gives the same sequence. VCF-style (leftmost placement, unchanged base first): chr16-1362237-TG-T. GRCh37 (hg19) VCF-style: chr16-1412238-TG-T.
Other names: short protein forms A149fs.
Identifiers: ClinVar variation 39080 (VCV000039080.5), dbSNP rs281864956, ClinGen allele CA343406.
Genomic context (GRCh38, chr16:1,362,237, plus strand): 5'-CAACCCACCTACCCACGTTCCCTCCCCAGGTGGAGCTGGCGTGTGGAAAAAGCAACCGGC[TG>T]GCCCATGTGTCCGAGCCGAGCACCTGCGTCTACGCGCTGACGTTCGAGACCCCCCTCGTC-3'

ClinVar aggregate classification (germline): Pathogenic (0 of 4 stars; one submission).

Conditions:
GNPTG-mucolipidosis. Also called: ML III GAMMA; ML IIIC; MUCOLIPIDOSIS III, COMPLEMENTATION GROUP C; MUCOLIPIDOSIS III, IRANIAN VARIANT FORM; MUCOLIPIDOSIS III, VARIANT FORM; Mucolipidosis type III gamma. Identifiers: Orphanet 423470, Orphanet 577, MedGen C1854896, MONDO:0009652, OMIM 252605.

Submission:

GeneReviews
Classification: Pathogenic for Mucolipidosis II. Last evaluated: 2012-05-10. Review status: no assertion criteria provided. Collection method: curation. Allele origin: unknown.
ClinVar note: Converted during submission from pathologic to Pathogenic.